The following is an entry in ClinVar:

NM_000057.4(BLM):c.2779A>G (p.Arg927Gly)

Gene: BLM (BLM RecQ like helicase; plus strand). Cytogenetic location: 15q26.1.
Variant type: single nucleotide variant.
Coding change: c.2779A>G on transcript NM_000057.4 (MANE Select); coding-DNA position 2779, A replaced by G.
Protein change: p.Arg927Gly; replaces arginine 927 with glycine.
Molecular consequence: missense variant.
Genome position (GRCh38, 1-based): chr15:90,785,037, A>G. VCF-style: chr15-90785037-A-G. GRCh37 (hg19) VCF-style: chr15-91328267-A-G.
Other names: c.2779A>G, p.Arg927Gly (NM_001287246.2, NM_001287247.2); c.1654A>G, p.Arg552Gly (NM_001287248.2); c.2779A>G (NM_000057.2); short protein forms R552G, R927G.
Identifiers: ClinVar variation 968629 (VCV000968629.8), dbSNP rs1896710903, ClinGen allele CA393846091.

ClinVar aggregate classification (germline): Uncertain significance. Review status: criteria provided, multiple submitters, no conflicts (2 of 4 stars). 2 submissions from 2 submitters: Uncertain significance (2). Last evaluated 2025-04-24.

Conditions:
Hereditary cancer-predisposing syndrome. Also called: Neoplastic Syndromes, Hereditary; Hereditary Cancer Syndrome; Tumor predisposition; Hereditary neoplastic syndrome. Identifiers: Orphanet 140162, MedGen C0027672, MeSH D009386, MONDO:0015356.
Bloom syndrome (BLM). Also called: Bloom-Torre-Machacek syndrome. Identifiers: Orphanet 125, MedGen C0005859, MONDO:0008876, OMIM 210900.

Submissions (2):

Ambry Genetics
Classification: Uncertain significance for Hereditary cancer-predisposing syndrome. Last evaluated: 2025-04-24. Review status: criteria provided, single submitter. Criteria: Ambry Variant Classification Scheme 2023. Collection method: clinical testing. Allele origin: germline.
Comment: The p.R927G variant (also known as c.2779A>G), located in coding exon 13 of the BLM gene, results from an A to G substitution at nucleotide position 2779. The arginine at codon 927 is replaced by glycine, an amino acid with dissimilar properties. This amino acid position is conserved. In addition, this alteration is predicted to be deleterious by in silico analysis. Based on the available evidence, the clinical significance of this variant remains unclear.

Labcorp Genetics (formerly Invitae), Labcorp
Classification: Uncertain significance for Bloom syndrome. Last evaluated: 2021-08-31. Review status: criteria provided, single submitter. Criteria: Invitae Variant Classification Sherloc (09022015). Collection method: clinical testing. Allele origin: germline.
Comment: This sequence change replaces arginine with glycine at codon 927 of the BLM protein (p.Arg927Gly). The arginine residue is highly conserved and there is a moderate physicochemical difference between arginine and glycine. This variant is not present in population databases (ExAC no frequency). This variant has not been reported in the literature in individuals affected with BLM-related conditions. Algorithms developed to predict the effect of missense changes on protein structure and function are either unavailable or do not agree on the potential impact of this missense change (SIFT: "Deleterious"; PolyPhen-2: "Probably Damaging"; Align-GVGD: "Class C0"). In summary, the available evidence is currently insufficient to determine the role of this variant in disease. Therefore, it has been classified as a Variant of Uncertain Significance.